The following is an entry in ClinVar:

ClinVar aggregate classification (germline): Benign/Likely benign. Review status: criteria provided, multiple submitters, no conflicts (2 of 4 stars). 10 submissions from 10 submitters: Benign (2); Likely benign (6). 2 of the submissions do not count toward it. Last evaluated 2026-07-01.

Conditions:
RBM20-related disorder. Also called: RBM20-related condition.
Cardiovascular phenotype. Identifiers: MedGen CN230736.
Dilated cardiomyopathy 1DD (CMD1DD). Identifiers: Orphanet 154, MedGen C2750995, MONDO:0013168, OMIM 613172.

Allele frequency attached by ClinVar (database versions not stated): ExAC 0.00020; ESP Exome Variant Server 0.00044; gnomAD 0.00008 and 0.00009; gnomAD exomes 0.00008 and 0.00010; TOPMed 0.00018.
gnomAD v4.1: 137 of 1,551,478 alleles (0.0088%); highest among the groups gnomAD compares: Middle Eastern, 0.2%; 1 homozygote.

Submissions (10):

CeGaT Center for Human Genetics Tuebingen
Classification: Likely benign. Last evaluated: 2026-07-01. Review status: criteria provided, single submitter. Criteria: CeGaT Center For Human Genetics Tuebingen Variant Classification Criteria Version 2. Collection method: clinical testing. Allele origin: germline. Affected: yes. Observed: 1 variant allele.
Comment: RBM20: BP4, BP7

Labcorp Genetics (formerly Invitae), Labcorp
Classification: Likely benign for Dilated cardiomyopathy 1DD. Last evaluated: 2026-01-27. Review status: criteria provided, single submitter. Criteria: Invitae Variant Classification Sherloc (09022015). Collection method: clinical testing. Allele origin: germline.

Women's Health and Genetics/Laboratory Corporation of America, LabCorp
Classification: Benign. Last evaluated: 2025-03-28. Review status: criteria provided, single submitter. Criteria: LabCorp Variant Classification Summary - May 2015. Collection method: clinical testing. Allele origin: germline.

PreventionGenetics, part of Exact Sciences
Classification: Likely benign for RBM20-related condition. Last evaluated: 2024-12-04. Review status: criteria provided, single submitter. Criteria: ACMG Guidelines, 2015. Collection method: clinical testing. Allele origin: germline.
Comment: This variant is classified as likely benign based on ACMG/AMP sequence variant interpretation guidelines (Richards et al. 2015 PMID: 25741868, with internal and published modifications).

Blueprint Genetics
Classification: Likely benign. Last evaluated: 2024-09-09. Review status: criteria provided, single submitter. Criteria: ACMG Guidelines, 2015. Collection method: clinical testing. Allele origin: germline.

Molecular Diagnostic Laboratory for Inherited Cardiovascular Disease, Montreal Heart Institute
Classification: Likely benign. Last evaluated: 2020-04-03. Review status: criteria provided, single submitter. Criteria: ACMG Guidelines, 2015. Collection method: clinical testing. Allele origin: germline. Affected: yes.

Ambry Genetics
Classification: Likely benign for Cardiovascular phenotype. Last evaluated: 2018-10-02. Review status: criteria provided, single submitter. Criteria: Ambry Variant Classification Scheme 2023. Collection method: clinical testing. Allele origin: germline.

GeneDx
Classification: Benign. Last evaluated: 2017-04-18. Review status: criteria provided, single submitter. Criteria: GeneDx Variant Classification (06012015). Collection method: clinical testing. Allele origin: germline. Affected: yes.
Comment: This variant is considered likely benign or benign based on one or more of the following criteria: it is a conservative change, it occurs at a poorly conserved position in the protein, it is predicted to be benign by multiple in silico algorithms, and/or has population frequency not consistent with disease.

Clinical Genetics DNA and cytogenetics Diagnostics Lab, Erasmus MC, Erasmus Medical Center
Classification: Likely benign. Review status: no assertion criteria provided. Collection method: clinical testing. Allele origin: germline. Affected: yes. Study: VKGL Data-share Consensus. Not counted in ClinVar's aggregate classification.

Diagnostic Laboratory, Department of Genetics, University Medical Center Groningen
Classification: Likely benign for Dilated cardiomyopathy 1DD. Review status: no assertion criteria provided. Collection method: clinical testing. Allele origin: germline. Affected: yes. Study: VKGL Data-share Consensus. Not counted in ClinVar's aggregate classification.

NM_001134363.3(RBM20):c.3504G>A (p.Leu1168=)

Gene: RBM20 (RNA binding motif protein 20; plus strand). Cytogenetic location: 10q25.2.
Variant type: single nucleotide variant.
Coding change: c.3504G>A on transcript NM_001134363.3 (MANE Select); coding-DNA position 3504, G replaced by A.
Protein change: p.Leu1168=; no amino-acid change (leucine 1168 retained).
Molecular consequence: synonymous variant.
Genome position (GRCh38, 1-based): chr10:110,831,113, G>A. VCF-style: chr10-110831113-G-A. GRCh37 (hg19) VCF-style: chr10-112590871-G-A.
Other names: c.3504G>A (LRG_382t1).
Identifiers: ClinVar variation 238554 (VCV000238554.20), dbSNP rs377742289, ClinGen allele CA5688792.